The following is an entry in ClinVar:

NM_021939.4(FKBP10):c.918-3C>G

Gene: FKBP10 (FKBP prolyl isomerase 10; plus strand). Cytogenetic location: 17q21.2.
Variant type: single nucleotide variant.
Coding change: c.918-3C>G on transcript NM_021939.4 (MANE Select); 3 bases into the intron before coding-DNA position 918, C replaced by G.
Molecular consequence: intron variant.
Genome position (GRCh38, 1-based): chr17:41,819,527, C>G. VCF-style: chr17-41819527-C-G. GRCh37 (hg19) VCF-style: chr17-39975779-C-G.
Identifiers: ClinVar variation 2736586 (VCV002736586.4), dbSNP rs368957257, ClinGen allele CA626025137.
Genomic context (GRCh38, chr17:41,819,527, plus strand): 5'-GAGCTGCCTGGAAGGGGAGGGCCCCTTTGACTCCCTTCCTGGCCCTCCCGCCTTGTATTG[C>G]AGCTACTCCCGCAACCACACCTACAATACCTATATCGGGCAGGGTTACATCATCCCCGGG-3'

ClinVar aggregate classification (germline): Pathogenic/Likely pathogenic. Review status: criteria provided, multiple submitters, no conflicts (2 of 4 stars). 2 submissions from 2 submitters: Pathogenic (1); Likely pathogenic (1). Last evaluated 2026-01-14.

Conditions:
FKBP10-related disorders.

gnomAD v4.1: 5 of 1,614,096 alleles (0.00031%); highest among the groups gnomAD compares: East Asian, 0.0089%; no homozygotes.

Submissions (2):

Labcorp Genetics (formerly Invitae), Labcorp
Classification: Pathogenic. Last evaluated: 2026-01-14. Review status: criteria provided, single submitter. Criteria: Invitae Variant Classification Sherloc (09022015). Collection method: clinical testing. Allele origin: germline.
Comment: This sequence change falls in intron 5 of the FKBP10 gene. It does not directly change the encoded amino acid sequence of the FKBP10 protein. RNA analysis indicates that this variant induces altered splicing and may result in an absent or altered protein product. This variant is present in population databases (no rsID available, gnomAD 0.006%). This variant has been observed in individual(s) with osteogenesis imperfecta (PMID: 27762305, 35242891, 36655627). In at least one individual the data is consistent with being in trans (on the opposite chromosome) from a pathogenic variant. ClinVar contains an entry for this variant (Variation ID: 2736586). Variants that disrupt the consensus splice site are a relatively common cause of aberrant splicing (PMID: 17576681, 9536098). Studies have shown that this variant results in retention of exon 5 and skipping of exon 6, and produces a non-functional protein and/or introduces a premature termination codon (PMID: 36655627). For these reasons, this variant has been classified as Pathogenic.

Blueprint Genetics
Classification: Likely pathogenic for FKBP10-related disorders. Last evaluated: 2023-08-10. Review status: criteria provided, single submitter. Criteria: ACMG Guidelines, 2015. Collection method: clinical testing. Allele origin: germline. Affected: yes. Observed: 3 variant alleles.

Literature cited by the submitters: PubMed 27762305 (cited by Labcorp Genetics (formerly Invitae), Labcorp); PubMed 35242891 (cited by Labcorp Genetics (formerly Invitae), Labcorp); PubMed 36655627 (cited by Labcorp Genetics (formerly Invitae), Labcorp); PubMed 17576681 (cited by Labcorp Genetics (formerly Invitae), Labcorp); PubMed 9536098 (cited by Labcorp Genetics (formerly Invitae), Labcorp).